The following is an entry in ClinVar:

NM_001009944.3(PKD1):c.7213T>C (p.Trp2405Arg)

Genes: MIR6511B1 (microRNA 6511b-1; minus strand), PKD1 (polycystin 1, transient receptor potential channel interacting; minus strand). Cytogenetic location: 16p13.3.
Variant type: single nucleotide variant.
Coding change: c.7213T>C on transcript NM_001009944.3 (MANE Select); coding-DNA position 7213, T replaced by C.
Protein change: p.Trp2405Arg; replaces tryptophan 2405 with arginine.
Molecular consequence: missense variant. On other transcripts: non-coding transcript variant (1).
Genome position (GRCh38, 1-based): chr16:2,106,674, A>G on the plus strand (T>C on the coding strand, the complement: PKD1 is on the minus strand). VCF-style: chr16-2106674-A-G. GRCh37 (hg19) VCF-style: chr16-2156675-A-G.
Other names: c.7213T>C, p.Trp2405Arg (NM_000296.4); short protein forms W2405R.
Identifiers: ClinVar variation 1807312 (VCV001807312.3), dbSNP rs2544782481, ClinGen allele CA394371299.

ClinVar aggregate classification (germline): Uncertain significance. Review status: criteria provided, single submitter (1 of 4 stars). 2 submissions from 2 submitters: Uncertain significance (1). 1 of the submissions does not count toward it. Last evaluated 2022-08-16.

Conditions:
PKD1-related disorder. Also called: PKD1-related condition.

Allele frequency attached by ClinVar (database versions not stated): gnomAD exomes below 0.00001.
gnomAD v4.1: 1 of 1,593,118 alleles (0.000063%); highest among the groups gnomAD compares: Non-Finnish European, 0.000085%; no homozygotes.

Submissions (2):

Athena Diagnostics
Classification: Uncertain significance. Last evaluated: 2022-08-16. Review status: criteria provided, single submitter. Criteria: Athena Diagnostics Criteria. Collection method: clinical testing. Allele origin: unknown.

PreventionGenetics, part of Exact Sciences
Classification: Uncertain significance for PKD1-related condition. Last evaluated: 2024-06-06. Review status: no assertion criteria provided. Collection method: clinical testing. Allele origin: germline. Not counted in ClinVar's aggregate classification.
Comment: The PKD1 c.7213T>C variant is predicted to result in the amino acid substitution p.Trp2405Arg. To our knowledge, this variant has not been reported in the literature or in a large population database, indicating this variant is rare. The p.Trp2405 residue is highly conserved during evolution. Of note, different substitutions at the same codon have been reported in individuals with autosomal dominant polycystic kidney disease (ADPKD) (p.Trp2405Leu at Liu et al. 2015. PubMed ID: 26632257; p.Trp2405Cys at Carrera et al. 2016. PubMed ID: 27499327, Suppl. Table S5, and Benson et al. 2021. PubMed ID: 33454723, Suppl. Table 3). Although we suspect that the p.Trp2405Arg variant found in this patient may be pathogenic, at this time, the clinical significance of this variant is uncertain due to the absence of conclusive functional and genetic evidence.